The following is an entry in ClinVar:

NM_170707.4(LMNA):c.1325T>A (p.Val442Glu)

Gene: LMNA (lamin A/C; plus strand). Cytogenetic location: 1q22.
Variant type: single nucleotide variant.
Coding change: c.1325T>A on transcript NM_170707.4 (MANE Select); coding-DNA position 1325, T replaced by A.
Protein change: p.Val442Glu; replaces valine 442 with glutamic acid.
Molecular consequence: missense variant.
Genome position (GRCh38, 1-based): chr1:156,136,381, T>A. VCF-style: chr1-156136381-T-A. GRCh37 (hg19) VCF-style: chr1-156106172-T-A.
Other names: c.767T>A, p.Val256Glu (NM_001406993.1, NM_001406995.1, NM_001406996.1 and 4 more transcripts); c.701T>A, p.Val234Glu (NM_001406994.1, NM_001406999.1, NM_001407000.1 and 1 more transcripts); c.989T>A, p.Val330Glu (NM_001406998.1, NM_001257374.3, NM_001406989.1); c.1082T>A, p.Val361Glu (NM_001282624.2, NM_001406986.1, NM_001406987.1); c.1325T>A, p.Val442Glu (NM_001282625.2, NM_001282626.2, NM_001406983.1 and 6 more transcripts); c.1028T>A, p.Val343Glu (NM_001406988.1); short protein forms V234E, V256E, V330E, V343E, V361E, V442E.
Identifiers: ClinVar variation 3348644 (VCV003348644.1).
Genomic context (GRCh38, chr1:156,136,381, plus strand): 5'-AGTCCACTGAGAGCCGCAGCAGCTTCTCACAGCACGCACGCACTAGCGGGCGCGTGGCCG[T>A]GGAGGAGGTGGATGAGGAGGGCAAGTTTGTCCGGCTGCGCAACAAGTCCAATGAGGTAGG-3'
Protein context (NP_733821.1, residues 432-452): QHARTSGRVA[Val442Glu]EEVDEEGKFV

ClinVar aggregate classification (germline): Likely pathogenic (0 of 4 stars; one submission).

Conditions:
LMNA-related disorder. Also called: LMNA-related disorders; LMNA-related condition; LMNA-related disease. Identifiers: MedGen CN380145.

Submission:

PreventionGenetics, part of Exact Sciences
Classification: Likely pathogenic for LMNA-related condition. Last evaluated: 2024-09-25. Review status: no assertion criteria provided. Collection method: clinical testing. Allele origin: germline.
Comment: The LMNA c.1325T>A variant is predicted to result in the amino acid substitution p.Val442Glu. To our knowledge, this variant has not been reported in the literature or in a large population database, indicating this variant is rare. This variant is interpreted as likely pathogenic.